The following is an entry in ClinVar:

ClinVar aggregate classification (germline): Uncertain significance (1 of 4 stars; one submission).

Submission:

GeneDx
Classification: Uncertain significance. Last evaluated: 2017-09-19. Review status: criteria provided, single submitter. Criteria: GeneDx Variant Classification (06012015). Collection method: clinical testing. Allele origin: germline. Affected: yes.
Comment: The E130G variant in the ALDH18A1 gene has not been reported previously as a pathogenic variant, nor as a benign variant, to our knowledge. The E130G variant is not observed in large population cohorts (Lek et al., 2016; 1000 Genomes Consortium et al., 2015; Exome Variant Server). The E130G variant is a non-conservative amino acid substitution, which is likely to impact secondary protein structure as these residues differ in polarity, charge, size and/or other properties. This substitution occurs at a position that is conserved across species, and in silico analysis predicts this variant is probably damaging to the protein structure/function. We interpret E130G as a variant of uncertain significance.

NM_002860.4(ALDH18A1):c.389A>G (p.Glu130Gly)

Gene: ALDH18A1 (aldehyde dehydrogenase 18 family member A1; minus strand). Cytogenetic location: 10q24.1.
Variant type: single nucleotide variant.
Coding change: c.389A>G on transcript NM_002860.4 (MANE Select); coding-DNA position 389, A replaced by G.
Protein change: p.Glu130Gly; replaces glutamic acid 130 with glycine.
Molecular consequence: missense variant. On other transcripts: intron variant (1).
Genome position (GRCh38, 1-based): chr10:95,637,351, T>C on the plus strand (A>G on the coding strand, the complement: ALDH18A1 is on the minus strand). VCF-style: chr10-95637351-T-C. GRCh37 (hg19) VCF-style: chr10-97397108-T-C.
Other names: c.389A>G, p.Glu130Gly (NM_001017423.2, NM_001323413.2, NM_001323414.2 and 2 more transcripts); c.56A>G, p.Glu19Gly (NM_001323412.2, NM_001323416.2, NM_001323418.2); c.-78-3702A>G (NM_001323419.2); short protein forms E130G, E19G.
Identifiers: ClinVar variation 452056 (VCV000452056.2), dbSNP rs1555263137, ClinGen allele CA377706729.